The following is an entry in ClinVar:

NM_004370.6(COL12A1):c.2485A>G (p.Thr829Ala)

Gene: COL12A1 (collagen type XII alpha 1 chain; minus strand). Cytogenetic location: 6q13.
Variant type: single nucleotide variant.
Coding change: c.2485A>G on transcript NM_004370.6 (MANE Select); coding-DNA position 2485, A replaced by G.
Protein change: p.Thr829Ala; replaces threonine 829 with alanine.
Molecular consequence: missense variant. On other transcripts: intron variant (1).
Genome position (GRCh38, 1-based): chr6:75,175,263, T>C on the plus strand (A>G on the coding strand, the complement: COL12A1 is on the minus strand). VCF-style: chr6-75175263-T-C. GRCh37 (hg19) VCF-style: chr6-75884979-T-C.
Other names: c.74-22781A>G (NM_080645.3); short protein forms T829A.
Identifiers: ClinVar variation 1013967 (VCV001013967.9), dbSNP rs1194621615, ClinGen allele CA364762535.

ClinVar aggregate classification (germline): Uncertain significance (1 of 4 stars; one submission).

Conditions:
Ullrich congenital muscular dystrophy 2 (UCMD2). Identifiers: Orphanet 75840, MedGen C4225314, MONDO:0014654, OMIM 616470.
Bethlem myopathy 2 (BTHLM2). Identifiers: Orphanet 536516, Orphanet 610, MedGen C4225313, MONDO:0034022, OMIM 616471.

Allele frequency attached by ClinVar (database versions not stated): gnomAD exomes below 0.00001 and 0.00001.
gnomAD v4.1: 3 of 1,614,200 alleles (0.00019%); highest among the groups gnomAD compares: Non-Finnish European, 0.00025%; no homozygotes.

Submission:

Labcorp Genetics (formerly Invitae), Labcorp
Classification: Uncertain significance for Bethlem myopathy 2; Ullrich congenital muscular dystrophy 2. Last evaluated: 2024-10-29. Review status: criteria provided, single submitter. Criteria: Invitae Variant Classification Sherloc (09022015). Collection method: clinical testing. Allele origin: germline.
Comment: This sequence change replaces threonine, which is neutral and polar, with alanine, which is neutral and non-polar, at codon 829 of the COL12A1 protein (p.Thr829Ala). This variant is present in population databases (no rsID available, gnomAD 0.0009%). This variant has not been reported in the literature in individuals affected with COL12A1-related conditions. ClinVar contains an entry for this variant (Variation ID: 1013967). Invitae Evidence Modeling of protein sequence and biophysical properties (such as structural, functional, and spatial information, amino acid conservation, physicochemical variation, residue mobility, and thermodynamic stability) indicates that this missense variant is not expected to disrupt COL12A1 protein function with a negative predictive value of 80%. In summary, the available evidence is currently insufficient to determine the role of this variant in disease. Therefore, it has been classified as a Variant of Uncertain Significance.